The following is an entry in ClinVar:

NM_174878.3(CLRN1):c.473A>G (p.Glu158Gly)

Gene: CLRN1 (clarin 1; minus strand). Cytogenetic location: 3q25.1.
Variant type: single nucleotide variant.
Coding change: c.473A>G on transcript NM_174878.3 (MANE Select); coding-DNA position 473, A replaced by G.
Protein change: p.Glu158Gly; replaces glutamic acid 158 with glycine.
Molecular consequence: missense variant. On other transcripts: 3 prime UTR variant (1), non-coding transcript variant (1).
Genome position (GRCh38, 1-based): chr3:150,928,162, T>C on the plus strand (A>G on the coding strand, the complement: CLRN1 is on the minus strand). VCF-style: chr3-150928162-T-C. GRCh37 (hg19) VCF-style: chr3-150645949-T-C.
Other names: c.512A>G, p.Glu171Gly (NM_001195794.1); c.*87A>G (NM_001256819.2); c.245A>G, p.Glu82Gly (NM_052995.2); short protein forms E158G, E171G, E82G.
Identifiers: ClinVar variation 343817 (VCV000343817.13), dbSNP rs369185342, ClinGen allele CA2666031.

ClinVar aggregate classification (germline): Conflicting classifications of pathogenicity. Review status: criteria provided, conflicting classifications (1 of 4 stars). 6 submissions from 6 submitters: Likely pathogenic (1); Uncertain significance (2). 3 of the submissions do not count toward it. Last evaluated 2022-05-04.

Conditions:
CLRN1-related disorder. Also called: CLRN1-related condition.
Usher syndrome type 3. Also called: Usher Syndrome, Type III. Identifiers: Orphanet 231183, MedGen C1568248, MONDO:0016485.

Allele frequency attached by ClinVar (database versions not stated): gnomAD exomes 0.00003 and 0.00005; ESP Exome Variant Server 0.00008; gnomAD 0.00001; TOPMed 0.00001; ExAC 0.00003.
gnomAD v4.1: 69 of 1,613,908 alleles (0.0043%); highest among the groups gnomAD compares: Non-Finnish European, 0.0056%; no homozygotes.

Submissions (6):

Blueprint Genetics
Classification: Likely pathogenic for CLRN1-related disorders. Last evaluated: 2022-05-04. Review status: criteria provided, single submitter. Criteria: ACMG Guidelines, 2015. Collection method: clinical testing. Allele origin: germline. Affected: yes. Observed: 3 variant alleles.

Labcorp Genetics (formerly Invitae), Labcorp
Classification: Uncertain significance. Last evaluated: 2022-04-01. Review status: criteria provided, single submitter. Criteria: Invitae Variant Classification Sherloc (09022015). Collection method: clinical testing. Allele origin: germline.
Comment: This sequence change replaces glutamic acid, which is acidic and polar, with glycine, which is neutral and non-polar, at codon 158 of the CLRN1 protein (p.Glu158Gly). This variant is present in population databases (rs369185342, gnomAD 0.006%). This variant has not been reported in the literature in individuals affected with CLRN1-related conditions. ClinVar contains an entry for this variant (Variation ID: 343817). Algorithms developed to predict the effect of missense changes on protein structure and function (SIFT, PolyPhen-2, Align-GVGD) all suggest that this variant is likely to be disruptive. In summary, the available evidence is currently insufficient to determine the role of this variant in disease. Therefore, it has been classified as a Variant of Uncertain Significance.

Illumina Laboratory Services, Illumina
Classification: Uncertain significance for Usher syndrome type 3A. Last evaluated: 2018-01-13. Review status: criteria provided, single submitter. Criteria: ICSL Variant Classification Criteria 13 December 2019. Collection method: clinical testing. Allele origin: germline.

Natera, Inc.
Classification: Uncertain significance for Usher syndrome type 3. Last evaluated: 2020-05-13. Review status: no assertion criteria provided. Collection method: clinical testing. Allele origin: germline. Not counted in ClinVar's aggregate classification.

Clinical Genetics DNA and cytogenetics Diagnostics Lab, Erasmus MC, Erasmus Medical Center
Classification: Uncertain significance. Review status: no assertion criteria provided. Collection method: clinical testing. Allele origin: germline. Affected: yes. Study: VKGL Data-share Consensus. Not counted in ClinVar's aggregate classification.

Laboratory of Diagnostic Genome Analysis, Leiden University Medical Center (LUMC)
Classification: Uncertain significance. Review status: no assertion criteria provided. Collection method: clinical testing. Allele origin: germline. Affected: yes. Study: VKGL Data-share Consensus. Not counted in ClinVar's aggregate classification.